The following is an entry in ClinVar:

ClinVar aggregate classification (germline): Pathogenic (1 of 4 stars; one submission).

Submission:

GeneDx
Classification: Pathogenic. Last evaluated: 2017-02-10. Review status: criteria provided, single submitter. Criteria: GeneDx Variant Classification (06012015). Collection method: clinical testing. Allele origin: germline. Affected: yes.
Comment: This duplication of one nucleotide in FH is denoted c.443dupA at the cDNA level and p.Thr149AspfsX7 (T149DfsX7) at the protein level. The normal sequence, with the base that is duplicated in brackets, is ACTC[dupA]GACA. The duplication causes a frameshift which changes a Threonine to an Aspartic Acid at codon 149, and creates a premature stop codon at position 7 of the new reading frame. Although this variant has not, to our knowledge, been reported in the literature, it is predicted to cause loss of normal protein function through either protein truncation or nonsense-mediated mRNA decay. We consider this variant to be pathogenic.

NM_000143.4(FH):c.443dup (p.Thr149fs)

Gene: FH (fumarate hydratase; minus strand). Cytogenetic location: 1q43.
Variant type: Duplication.
Coding change: c.443dup on transcript NM_000143.4 (MANE Select); coding-DNA position 443, one base duplicated (A; older notation c.443dupA).
Protein change: p.Thr149fs; shifts the reading frame from threonine 149.
Molecular consequence: frameshift variant.
Genome position (GRCh38, 1-based): chr1:241,512,079, T duplicated on the plus strand (A on the coding strand, the reverse complement: FH is on the minus strand). VCF-style (leftmost placement, unchanged base first): chr1-241512078-C-CT. GRCh37 (hg19) VCF-style: chr1-241675378-C-CT.
Other names: c.443dupA (NM_000143.3); short protein forms T149fs.
Identifiers: ClinVar variation 545767 (VCV000545767.2), dbSNP rs1553341610, ClinGen allele CA658822664.